The following is an entry in ClinVar:

NM_006618.5(KDM5B):c.481T>C (p.Phe161Leu)

Gene: KDM5B (lysine demethylase 5B; minus strand). Cytogenetic location: 1q32.1.
Variant type: single nucleotide variant.
Coding change: c.481T>C on transcript NM_006618.5 (MANE Select); coding-DNA position 481, T replaced by C.
Protein change: p.Phe161Leu; replaces phenylalanine 161 with leucine.
Molecular consequence: missense variant.
Genome position (GRCh38, 1-based): chr1:202,773,213, A>G on the plus strand (T>C on the coding strand, the complement: KDM5B is on the minus strand). VCF-style: chr1-202773213-A-G. GRCh37 (hg19) VCF-style: chr1-202742341-A-G.
Other names: c.481T>C, p.Phe161Leu (NM_001314042.2, NM_001347591.2); c.466T>C, p.Phe156Leu (NM_001399817.1); short protein forms F156L, F161L.
Identifiers: ClinVar variation 5042032 (VCV005042032.1).
Genomic context (GRCh38, chr1:202,773,213, plus strand): 5'-GGTTGAGAATTCGTTCATAATGCCCTCTGATATGTGAGCCCACTGCTTTGCCAGGAGCAA[A>G]CCCCATCTTGGTAGCAATTTTGGTCCATTTTCTATCCTTGCAAACAACTGCAAATCCACC-3'
Protein context (NP_006609.3, residues 151-171): KWTKIATKMG[Phe161Leu]APGKAVGSHI

ClinVar aggregate classification (germline): Uncertain significance (1 of 4 stars; one submission).

Conditions:
Intellectual developmental disorder, autosomal recessive 65. Also called: MENTAL RETARDATION, AUTOSOMAL RECESSIVE 65; Intellectual disability, autosomal recessive 65. Identifiers: MedGen C4748219, MONDO:0020850, OMIM 618109.

gnomAD v4.1: 1 of 1,614,004 alleles (0.000062%); highest among the groups gnomAD compares: South Asian, 0.0011%; no homozygotes.

Submission:

Clinical Genetics Laboratory, University Hospital Schleswig-Holstein
Classification: Uncertain significance for Intellectual developmental disorder, autosomal recessive 65. Last evaluated: 2025-03-18. Review status: criteria provided, single submitter. Criteria: ACMG Guidelines, 2015. Collection method: clinical testing. Allele origin: de novo. Affected: yes. Observed: 1 heterozygote.
Comment: ACMG criteria applied: PM2, PP3, PS2_Supporting

Literature cited by the submitters: PubMed 30409806; PubMed 39202393.